The following is an entry in ClinVar:

ClinVar aggregate classification (germline): Pathogenic (1 of 4 stars; one submission).

Conditions:
USH2A-related disorder. Also called: USH2A-related condition; USH2A-related disorders. Identifiers: MedGen CN239332.

Submission:

Myriad Genetics, Inc.
Classification: Pathogenic for USH2A-related disorder. Last evaluated: 2025-12-21. Review status: criteria provided, single submitter. Criteria: Myriad Autosomal Dominant, Autosomal Recessive and X-Linked Classification Criteria (2023). Collection method: clinical testing. Allele origin: unknown.
Comment: NM_206933.2(USH2A):c.1028_1032del5(S343Cfs*3) is expected to be pathogenic in the context of USH2A-related disorders. This variant is predicted to lead to an abnormal or absent protein product due to the creation of a premature termination codon in USH2A, a gene where loss-of-function variants are known to be pathogenic. Please note: this variant was assessed in the context of healthy population screening.

NM_206933.4(USH2A):c.1028_1032del (p.Ser343fs)

Gene: USH2A (usherin; minus strand). Cytogenetic location: 1q41.
Variant type: Deletion.
Coding change: c.1028_1032del on transcript NM_206933.4 (MANE Select); coding-DNA positions 1028 to 1032, 5 bases deleted (CTTTT; older notation c.1028_1032delCTTTT).
Protein change: p.Ser343fs; shifts the reading frame from serine 343.
Molecular consequence: frameshift variant.
Genome position (GRCh38, 1-based): chr1:216,325,416-216,325,420, AAAAG deleted on the plus strand (CTTTT on the coding strand, the reverse complement: USH2A is on the minus strand); deleting any 5 consecutive bases within chr1:216,325,416-216,325,421 gives the same sequence; the c. name uses the placement nearest the transcript's 3' end. VCF-style (leftmost placement, unchanged base first): chr1-216325415-CAAAAG-C. GRCh37 (hg19) VCF-style: chr1-216498757-CAAAAG-C.
Other names: c.1028_1032del, p.Ser343fs (NM_007123.6); short protein forms S343fs.
Identifiers: ClinVar variation 5015354 (VCV005015354.1).